The following is an entry in ClinVar:

ClinVar aggregate classification (germline): Uncertain significance (1 of 4 stars; one submission).

Conditions:
Ullrich congenital muscular dystrophy 2 (UCMD2). Identifiers: Orphanet 75840, MedGen C4225314, MONDO:0014654, OMIM 616470.
Bethlem myopathy 2 (BTHLM2). Identifiers: Orphanet 536516, Orphanet 610, MedGen C4225313, MONDO:0034022, OMIM 616471.

Allele frequency attached by ClinVar (database versions not stated): gnomAD exomes 0.00001.
gnomAD v4.1: 17 of 1,614,102 alleles (0.0011%); highest among the groups gnomAD compares: Non-Finnish European, 0.0014%; no homozygotes.

Submission:

Labcorp Genetics (formerly Invitae), Labcorp
Classification: Uncertain significance for Bethlem myopathy 2; Ullrich congenital muscular dystrophy 2. Last evaluated: 2025-03-18. Review status: criteria provided, single submitter. Criteria: Invitae Variant Classification Sherloc (09022015). Collection method: clinical testing. Allele origin: germline.
Comment: This sequence change replaces glycine, which is neutral and non-polar, with alanine, which is neutral and non-polar, at codon 383 of the COL12A1 protein (p.Gly383Ala). This variant is present in population databases (no rsID available, gnomAD 0.003%). This variant has not been reported in the literature in individuals affected with COL12A1-related conditions. ClinVar contains an entry for this variant (Variation ID: 1491030). Invitae Evidence Modeling of protein sequence and biophysical properties (such as structural, functional, and spatial information, amino acid conservation, physicochemical variation, residue mobility, and thermodynamic stability) indicates that this missense variant is expected to disrupt COL12A1 protein function with a positive predictive value of 80%. In summary, the available evidence is currently insufficient to determine the role of this variant in disease. Therefore, it has been classified as a Variant of Uncertain Significance.

NM_004370.6(COL12A1):c.1148G>C (p.Gly383Ala)

Gene: COL12A1 (collagen type XII alpha 1 chain; minus strand). Cytogenetic location: 6q13.
Variant type: single nucleotide variant.
Coding change: c.1148G>C on transcript NM_004370.6 (MANE Select); coding-DNA position 1148, G replaced by C.
Protein change: p.Gly383Ala; replaces glycine 383 with alanine.
Molecular consequence: missense variant. On other transcripts: intron variant (1).
Genome position (GRCh38, 1-based): chr6:75,183,994, C>G on the plus strand (G>C on the coding strand, the complement: COL12A1 is on the minus strand). VCF-style: chr6-75183994-C-G. GRCh37 (hg19) VCF-style: chr6-75893710-C-G.
Other names: c.73+18726G>C (NM_080645.3); short protein forms G383A.
Identifiers: ClinVar variation 1491030 (VCV001491030.8), dbSNP rs1310849098, ClinGen allele CA364773392.